The following is an entry in ClinVar:

ClinVar aggregate classification (germline): Benign (1 of 4 stars; one submission).

Allele frequency attached by ClinVar (database versions not stated): ESP Exome Variant Server 0.28603; TOPMed 0.28745; gnomAD 0.30115; 1000 Genomes Project 30x 0.31355; 1000 Genomes Project 0.32268.
gnomAD v4.1: 390,869 of 1,158,864 alleles (34%); highest among the groups gnomAD compares: East Asian, 55%; 73,689 homozygotes.

Submission:

Unidad de Genómica Garrahan, Hospital de Pediatría Garrahan
Classification: Benign. Last evaluated: 2023-11-12. Review status: criteria provided, single submitter. Criteria: ACMG Guidelines, 2015. Collection method: clinical testing. Allele origin: germline. Affected: no. Observed: 48 variant alleles.
Comment: This variant is classified as Benign based on local population frequency. This variant was detected in 50% of patients studied by a panel of primary immunodeficiencies. Number of patients: 48. Only high quality variants are reported.

NM_000234.3(LIG1):c.914+68T>C

Gene: LIG1 (DNA ligase 1; minus strand). Cytogenetic location: 19q13.33.
Variant type: single nucleotide variant.
Coding change: c.914+68T>C on transcript NM_000234.3 (MANE Select); 68 bases into the intron after coding-DNA position 914, T replaced by C.
Molecular consequence: intron variant.
Genome position (GRCh38, 1-based): chr19:48,143,475, A>G on the plus strand (T>C on the coding strand, the complement: LIG1 is on the minus strand). VCF-style: chr19-48143475-A-G. GRCh37 (hg19) VCF-style: chr19-48646732-A-G.
Other names: c.821+68T>C (NM_001289063.2); c.824+68T>C (NM_001320971.2); c.710+68T>C (NM_001289064.2); c.911+68T>C (NM_001320970.2).
Identifiers: ClinVar variation 2628176 (VCV002628176.2), dbSNP rs3730938, ClinGen allele CA14677613.
Genomic context (GRCh38, chr19:48,143,475, plus strand): 5'-TCATACGCCCGAGCGGGGTCAGAGGCCAAGTTGACAGGGTTTGGCGGAACAAGGCAGCAC[A>G]GACCGCCATGCAGAGGACAGACCCAGAAGCGACCCCGCCCCCCACCCAGGCAGTCCTCAT-3'